The following is an entry in ClinVar:

NM_004446.3(EPRS1):c.1726A>C (p.Ile576Leu)

Gene: EPRS1 (glutamyl-prolyl-tRNA synthetase 1; minus strand). Cytogenetic location: 1q41.
Variant type: single nucleotide variant.
Coding change: c.1726A>C on transcript NM_004446.3 (MANE Select); coding-DNA position 1726, A replaced by C.
Protein change: p.Ile576Leu; replaces isoleucine 576 with leucine.
Molecular consequence: missense variant.
Genome position (GRCh38, 1-based): chr1:220,007,218, T>G on the plus strand (A>C on the coding strand, the complement: EPRS1 is on the minus strand). VCF-style: chr1-220007218-T-G. GRCh37 (hg19) VCF-style: chr1-220180560-T-G.
Other names: c.1726A>C (NM_004446.2); short protein forms I576L.
Identifiers: ClinVar variation 2182134 (VCV002182134.6), dbSNP rs374062264, ClinGen allele CA1400193.

ClinVar aggregate classification (germline): Uncertain significance. Review status: criteria provided, multiple submitters, no conflicts (2 of 4 stars). 3 submissions from 3 submitters: Uncertain significance (3). Last evaluated 2024-10-28.

Conditions:
Inborn genetic diseases. Identifiers: MedGen C0950123, MeSH D030342.

Allele frequency attached by ClinVar (database versions not stated): ExAC 0.00003; gnomAD 0.00003; ESP Exome Variant Server 0.00015.
gnomAD v4.1: 42 of 1,612,170 alleles (0.0026%); highest among the groups gnomAD compares: Non-Finnish European, 0.0036%; no homozygotes.

Submissions (3):

Labcorp Genetics (formerly Invitae), Labcorp
Classification: Uncertain significance. Last evaluated: 2024-10-28. Review status: criteria provided, single submitter. Criteria: Invitae Variant Classification Sherloc (09022015). Collection method: clinical testing. Allele origin: germline.
Comment: This sequence change replaces isoleucine, which is neutral and non-polar, with leucine, which is neutral and non-polar, at codon 576 of the EPRS protein (p.Ile576Leu). This variant is present in population databases (rs374062264, gnomAD 0.006%). This variant has not been reported in the literature in individuals affected with EPRS-related conditions. ClinVar contains an entry for this variant (Variation ID: 2182134). An algorithm developed to predict the effect of missense changes on protein structure and function (PolyPhen-2) suggests that this variant is likely to be disruptive. In summary, the available evidence is currently insufficient to determine the role of this variant in disease. Therefore, it has been classified as a Variant of Uncertain Significance.

Ambry Genetics
Classification: Uncertain significance for Inborn genetic diseases. Last evaluated: 2024-10-01. Review status: criteria provided, single submitter. Criteria: Ambry Variant Classification Scheme 2023. Collection method: clinical testing. Allele origin: germline.

Blueprint Genetics
Classification: Uncertain significance. Last evaluated: 2024-09-19. Review status: criteria provided, single submitter. Criteria: ACMG Guidelines, 2015. Collection method: clinical testing. Allele origin: germline.